The following is an entry in ClinVar:

ClinVar aggregate classification (germline): Uncertain significance (1 of 4 stars; one submission).

Allele frequency attached by ClinVar (database versions not stated): ExAC 0.00001; gnomAD 0.00002; TOPMed 0.00002.
gnomAD v4.1: 14 of 1,209,828 alleles (0.0012%); highest among the groups gnomAD compares: Middle Eastern, 0.046%; no homozygotes.

Submission:

Labcorp Genetics (formerly Invitae), Labcorp
Classification: Uncertain significance. Last evaluated: 2023-07-20. Review status: criteria provided, single submitter. Criteria: Invitae Variant Classification Sherloc (09022015). Collection method: clinical testing. Allele origin: germline.
Comment: In summary, the available evidence is currently insufficient to determine the role of this variant in disease. Therefore, it has been classified as a Variant of Uncertain Significance. An algorithm developed to predict the effect of missense changes on protein structure and function (PolyPhen-2) suggests that this variant is likely to be tolerated. This variant has not been reported in the literature in individuals affected with AMER1-related conditions. This variant is present in population databases (rs761242587, gnomAD 0.008%). This sequence change replaces arginine, which is basic and polar, with histidine, which is basic and polar, at codon 1022 of the AMER1 protein (p.Arg1022His).

NM_152424.4(AMER1):c.3065G>A (p.Arg1022His)

Gene: AMER1 (APC membrane recruitment protein 1; minus strand). Cytogenetic location: Xq11.2.
Variant type: single nucleotide variant.
Coding change: c.3065G>A on transcript NM_152424.4 (MANE Select); coding-DNA position 3065, G replaced by A.
Protein change: p.Arg1022His; replaces arginine 1022 with histidine.
Molecular consequence: missense variant.
Genome position (GRCh38, 1-based): chrX:64,190,222, C>T on the plus strand (G>A on the coding strand, the complement: AMER1 is on the minus strand). VCF-style: chrX-64190222-C-T. GRCh37 (hg19) VCF-style: chrX-63410102-C-T.
Other names: short protein forms R1022H.
Identifiers: ClinVar variation 2785716 (VCV002785716.3), dbSNP rs761242587, ClinGen allele CA10432112.